The following is an entry in ClinVar:

NC_000009.11:g.(?_26934991)_(27220163_?)dup

Genes: IFT74 (intraflagellar transport 74; plus strand), LRRC19 (leucine rich repeat containing 19; minus strand), PLAA (phospholipase A2 activating protein; minus strand), TEK (TEK receptor tyrosine kinase; plus strand). Cytogenetic location: 9p21.2.
Variant type: Duplication.
Identifiers: ClinVar variation 2423497 (VCV002423497.4).

ClinVar aggregate classification (germline): Uncertain significance (1 of 4 stars; one submission).

Submission:

Labcorp Genetics (formerly Invitae), Labcorp
Classification: Uncertain significance. Last evaluated: 2021-10-20. Review status: criteria provided, single submitter. Criteria: Invitae Variant Classification Sherloc (09022015). Collection method: clinical testing. Allele origin: germline.
Comment: In summary, the available evidence is currently insufficient to determine the role of this variant in disease. Therefore, it has been classified as a Variant of Uncertain Significance. This variant has not been reported in the literature in individuals affected with PLAA-related conditions. This variant results in a copy number gain of the genomic region encompassing exon(s) 1-2 of the PLAA gene. This region includes the initiator codon of the gene. This copy number gain extends beyond the assayed region for this gene and therefore may encompass additional genes. As the precise location of this event is unknown, it may be in tandem or it may be located elsewhere in the genome.